The following is an entry in ClinVar:

ClinVar aggregate classification (germline): Uncertain significance. Review status: criteria provided, multiple submitters, no conflicts (2 of 4 stars). 3 submissions from 3 submitters: Uncertain significance (3). Last evaluated 2025-03-08.

Conditions:
Inborn genetic diseases. Identifiers: MedGen C0950123, MeSH D030342.

Allele frequency attached by ClinVar (database versions not stated): gnomAD exomes below 0.00001; gnomAD 0.00001; TOPMed 0.00002.
gnomAD v4.1: 4 of 1,614,096 alleles (0.00025%); highest among the groups gnomAD compares: Admixed American, 0.0017%; no homozygotes.

Submissions (3):

Ambry Genetics
Classification: Uncertain significance for Inborn genetic diseases. Last evaluated: 2025-03-08. Review status: criteria provided, single submitter. Criteria: Ambry Variant Classification Scheme 2023. Collection method: clinical testing. Allele origin: germline.

Labcorp Genetics (formerly Invitae), Labcorp
Classification: Uncertain significance. Last evaluated: 2024-10-28. Review status: criteria provided, single submitter. Criteria: Invitae Variant Classification Sherloc (09022015). Collection method: clinical testing. Allele origin: germline.
Comment: This sequence change replaces threonine, which is neutral and polar, with serine, which is neutral and polar, at codon 422 of the SMARCA2 protein (p.Thr422Ser). This variant is not present in population databases (gnomAD no frequency). This variant has not been reported in the literature in individuals affected with SMARCA2-related conditions. ClinVar contains an entry for this variant (Variation ID: 1723000). Invitae Evidence Modeling of protein sequence and biophysical properties (such as structural, functional, and spatial information, amino acid conservation, physicochemical variation, residue mobility, and thermodynamic stability) indicates that this missense variant is not expected to disrupt SMARCA2 protein function with a negative predictive value of 95%. In summary, the available evidence is currently insufficient to determine the role of this variant in disease. Therefore, it has been classified as a Variant of Uncertain Significance.

GeneDx
Classification: Uncertain significance. Last evaluated: 2022-04-30. Review status: criteria provided, single submitter. Criteria: GeneDx Variant Classification Process June 2021. Collection method: clinical testing. Allele origin: germline. Affected: yes.
Comment: Not observed at significant frequency in large population cohorts (gnomAD); In silico analysis supports that this missense variant does not alter protein structure/function; Has not been previously published as pathogenic or benign to our knowledge

NM_003070.5(SMARCA2):c.1265C>G (p.Thr422Ser)

Gene: SMARCA2 (SWI/SNF related BAF chromatin remodeling complex subunit ATPase 2; plus strand). Cytogenetic location: 9p24.3.
Variant type: single nucleotide variant.
Coding change: c.1265C>G on transcript NM_003070.5 (MANE Select); coding-DNA position 1265, C replaced by G.
Protein change: p.Thr422Ser; replaces threonine 422 with serine.
Molecular consequence: missense variant.
Genome position (GRCh38, 1-based): chr9:2,056,763, C>G. VCF-style: chr9-2056763-C-G. GRCh37 (hg19) VCF-style: chr9-2056763-C-G.
Other names: c.1265C>G, p.Thr422Ser (NM_001289396.2, NM_001289397.2, NM_139045.4); short protein forms T422S.
Identifiers: ClinVar variation 1723000 (VCV001723000.7), dbSNP rs1045895734, ClinGen allele CA187909925.